The following is an entry in ClinVar:

ClinVar aggregate classification (germline): Uncertain significance (1 of 4 stars; one submission).

Conditions:
Hereditary cancer-predisposing syndrome. Also called: Neoplastic Syndromes, Hereditary; Tumor predisposition; Hereditary Cancer Syndrome; Hereditary neoplastic syndrome. Identifiers: Orphanet 140162, MedGen C0027672, MeSH D009386, MONDO:0015356.

Submission:

Ambry Genetics
Classification: Uncertain significance for Hereditary cancer-predisposing syndrome. Last evaluated: 2021-02-22. Review status: criteria provided, single submitter. Criteria: Ambry Variant Classification Scheme 2023. Collection method: clinical testing. Allele origin: germline.
Comment: The p.S569R variant (also known as c.1707C>G), located in coding exon 10 of the ATM gene, results from a C to G substitution at nucleotide position 1707. The serine at codon 569 is replaced by arginine, an amino acid with dissimilar properties. This amino acid position is not well conserved in available vertebrate species. In addition, this alteration is predicted to be tolerated by in silico analysis. Since supporting evidence is limited at this time, the clinical significance of this alteration remains unclear.

NM_000051.4(ATM):c.1707C>G (p.Ser569Arg)

Gene: ATM (ATM serine/threonine kinase; plus strand). Cytogenetic location: 11q22.3.
Variant type: single nucleotide variant.
Coding change: c.1707C>G on transcript NM_000051.4 (MANE Select); coding-DNA position 1707, C replaced by G.
Protein change: p.Ser569Arg; replaces serine 569 with arginine.
Molecular consequence: missense variant.
Genome position (GRCh38, 1-based): chr11:108,251,936, C>G. VCF-style: chr11-108251936-C-G. GRCh37 (hg19) VCF-style: chr11-108122663-C-G.
Other names: c.1707C>G, p.Ser569Arg (NM_001351834.2); short protein forms S569R.
Identifiers: ClinVar variation 1778472 (VCV001778472.2), dbSNP rs1381837075, ClinGen allele CA382535251.